The following is an entry in ClinVar:

NM_023067.4(FOXL2):c.634C>G (p.Pro212Ala)

Gene: FOXL2 (forkhead box L2; minus strand). Cytogenetic location: 3q22.3.
Variant type: single nucleotide variant.
Coding change: c.634C>G on transcript NM_023067.4 (MANE Select); coding-DNA position 634, C replaced by G.
Protein change: p.Pro212Ala; replaces proline 212 with alanine.
Molecular consequence: missense variant.
Genome position (GRCh38, 1-based): chr3:138,946,089, G>C on the plus strand (C>G on the coding strand, the complement: FOXL2 is on the minus strand). VCF-style: chr3-138946089-G-C. GRCh37 (hg19) VCF-style: chr3-138664931-G-C.
Other names: short protein forms P212A.
Identifiers: ClinVar variation 1186389 (VCV001186389.9), dbSNP rs750300712, ClinGen allele CA2639749.
Genomic context (GRCh38, chr3:138,946,089, plus strand): 5'-CAGCCGCAGCTGCTGCAGCCGCTGCGGCTGCCGCCATCTGGCAGGAGGCATAGGGCATGG[G>C]TGAGGGAGGCTGCGGTAGCGGCCACGAGTTGTTGAGGAAGCCAGACTGCAGGTACTTGGG-3'
Protein context (NP_075555.1, residues 202-222): NSWPLPQPPS[Pro212Ala]MPYASCQMAA

ClinVar aggregate classification (germline): Uncertain significance. Review status: criteria provided, multiple submitters, no conflicts (2 of 4 stars). 3 submissions from 3 submitters: Uncertain significance (3). Last evaluated 2026-03-02.

Conditions:
Inborn genetic diseases. Identifiers: MedGen C0950123, MeSH D030342.

Allele frequency attached by ClinVar (database versions not stated): gnomAD 0.00026 and 0.00024; TOPMed 0.00028.
gnomAD v4.1: 609 of 1,473,490 alleles (0.041%); highest among the groups gnomAD compares: Non-Finnish European, 0.051%; 1 homozygote.

Submissions (3):

Ambry Genetics
Classification: Uncertain significance for Inborn genetic diseases. Last evaluated: 2026-03-02. Review status: criteria provided, single submitter. Criteria: Ambry Variant Classification Scheme 2023. Collection method: clinical testing. Allele origin: germline.

Labcorp Genetics (formerly Invitae), Labcorp
Classification: Uncertain significance. Last evaluated: 2025-12-30. Review status: criteria provided, single submitter. Criteria: Invitae Variant Classification Sherloc (09022015). Collection method: clinical testing. Allele origin: germline.
Comment: This sequence change replaces proline, which is neutral and non-polar, with alanine, which is neutral and non-polar, at codon 212 of the FOXL2 protein (p.Pro212Ala). This variant is present in population databases (rs750300712, gnomAD 0.03%). This missense change has been observed in individual(s) with primary ovarian failure (PMID: 38558253). ClinVar contains an entry for this variant (Variation ID: 1186389). An algorithm developed to predict the effect of missense changes on protein structure and function (PolyPhen-2) suggests that this variant is likely to be disruptive. In summary, the available evidence is currently insufficient to determine the role of this variant in disease. Therefore, it has been classified as a Variant of Uncertain Significance.

GeneDx
Classification: Uncertain significance. Last evaluated: 2020-05-21. Review status: criteria provided, single submitter. Criteria: GeneDx Variant Classification Process June 2021. Collection method: clinical testing. Allele origin: germline. Affected: yes.
Comment: In silico analysis supports that this missense variant does not alter protein structure/function; Has not been previously published as pathogenic or benign to our knowledge

Literature cited by the submitters: PubMed 38558253 (cited by Labcorp Genetics (formerly Invitae), Labcorp).